The following is an entry in ClinVar:

NM_000631.5(NCF4):c.759-49C>T

Gene: NCF4 (neutrophil cytosolic factor 4; plus strand). Cytogenetic location: 22q12.3.
Variant type: single nucleotide variant.
Coding change: c.759-49C>T on transcript NM_000631.5 (MANE Select); 49 bases into the intron before coding-DNA position 759, C replaced by T.
Molecular consequence: intron variant. On other transcripts: missense variant (1).
Genome position (GRCh38, 1-based): chr22:36,875,980, C>T. VCF-style: chr22-36875980-C-T. GRCh37 (hg19) VCF-style: chr22-37272022-C-T.
Other names: c.955C>T, p.Pro319Ser (NM_013416.4); short protein forms P319S.
Identifiers: ClinVar variation 933756 (VCV000933756.11), dbSNP rs766613420, ClinGen allele CA10213195.
Genomic context (GRCh38, chr22:36,875,980, plus strand): 5'-ACAAGCCATCAACGTCCAGGGTGGCCTGGCCAGCCTCATTCCCCTTTCCCCCACCCCACA[C>T]CCCACTTCCAGCCTGATGCCTCCTTACTCCAGCCTGTCACCCCCTTAGGGACATCGCGGT-3'

ClinVar aggregate classification (germline): Conflicting classifications of pathogenicity. Review status: criteria provided, conflicting classifications (1 of 4 stars). 2 submissions from 2 submitters: Uncertain significance (1); Likely benign (1). Last evaluated 2024-07-22.

Conditions:
Granulomatous disease, chronic, autosomal recessive, cytochrome b-positive, type 3. Also called: GRANULOMATOUS DISEASE, CHRONIC, DUE TO NCF4 DEFICIENCY; Granulomatous disease, chronic, autosomal recessive, cytochrome b-positive, type III; GRANULOMATOUS DISEASE, CHRONIC, AUTOSOMAL RECESSIVE, 3; CGD, AUTOSOMAL RECESSIVE CYTOCHROME b-POSITIVE, TYPE III. Identifiers: Orphanet 379, MedGen C3151409, MONDO:0013507, OMIM 613960.

Allele frequency attached by ClinVar (database versions not stated): TOPMed below 0.00001.
gnomAD v4.1: 6 of 1,613,978 alleles (0.00037%); highest among the groups gnomAD compares: Admixed American, 0.0067%; no homozygotes.

Submissions (2):

Ambry Genetics
Classification: Likely benign. Last evaluated: 2024-07-22. Review status: criteria provided, single submitter. Criteria: Ambry Variant Classification Scheme 2023. Collection method: clinical testing. Allele origin: germline.

Labcorp Genetics (formerly Invitae), Labcorp
Classification: Uncertain significance for Granulomatous disease, chronic, autosomal recessive, cytochrome b-positive, type 3. Last evaluated: 2022-07-19. Review status: criteria provided, single submitter. Criteria: Invitae Variant Classification Sherloc (09022015). Collection method: clinical testing. Allele origin: germline.
Comment: ClinVar contains an entry for this variant (Variation ID: 933756). This variant has not been reported in the literature in individuals affected with NCF4-related conditions. This variant is present in population databases (rs766613420, gnomAD 0.01%). This sequence change replaces proline, which is neutral and non-polar, with serine, which is neutral and polar, at codon 319 of the NCF4 protein (p.Pro319Ser). In summary, the available evidence is currently insufficient to determine the role of this variant in disease. Therefore, it has been classified as a Variant of Uncertain Significance. Algorithms developed to predict the effect of missense changes on protein structure and function output the following: SIFT: "Deleterious"; PolyPhen-2: "Possibly Damaging"; Align-GVGD: "Class C0". The serine amino acid residue is found in multiple mammalian species, which suggests that this missense change does not adversely affect protein function.